The following is an entry in ClinVar:

NM_002103.5(GYS1):c.1177G>A (p.Ala393Thr)

Gene: GYS1 (glycogen synthase 1; minus strand). Cytogenetic location: 19q13.33.
Variant type: single nucleotide variant.
Coding change: c.1177G>A on transcript NM_002103.5 (MANE Select); coding-DNA position 1177, G replaced by A.
Protein change: p.Ala393Thr; replaces alanine 393 with threonine.
Molecular consequence: missense variant. On other transcripts: non-coding transcript variant (1).
Genome position (GRCh38, 1-based): chr19:48,978,150, C>T on the plus strand (G>A on the coding strand, the complement: GYS1 is on the minus strand). VCF-style: chr19-48978150-C-T. GRCh37 (hg19) VCF-style: chr19-49481407-C-T.
Other names: c.985G>A, p.Ala329Thr (NM_001161587.2); short protein forms A393T, A329T.
Identifiers: ClinVar variation 1373924 (VCV001373924.8), dbSNP rs1234293707, ClinGen allele CA406762429.
Genomic context (GRCh38, chr19:48,978,150, plus strand): 5'-GCACTCACACCAGTAAGGATTCATAAAGCTTCCTCCCGAACTTTTCCTTCACCGTGTTGG[C>T]CGTGTCCCTGGAGGAAGCAGAGCAACAGGGTCACATACACACCAGCTGCCATTTACTGTT-3'
Protein context (NP_002094.2, residues 383-403): QAVRKQLWDT[Ala393Thr]NTVKEKFGRK

ClinVar aggregate classification (germline): Uncertain significance (1 of 4 stars; one submission).

Conditions:
Glycogen storage disease due to muscle and heart glycogen synthase deficiency. Also called: GSD 0b; MUSCLE GLYCOGEN SYNTHASE DEFICIENCY. Identifiers: Orphanet 137625, MedGen C1969054, MONDO:0012693, OMIM 611556.

Allele frequency attached by ClinVar (database versions not stated): gnomAD exomes below 0.00001; TOPMed below 0.00001; gnomAD 0.00001.
gnomAD v4.1: 3 of 1,613,564 alleles (0.00019%); highest among the groups gnomAD compares: Non-Finnish European, 0.00025%; no homozygotes.

Submission:

Labcorp Genetics (formerly Invitae), Labcorp
Classification: Uncertain significance for Glycogen storage disease due to muscle and heart glycogen synthase deficiency. Last evaluated: 2021-04-23. Review status: criteria provided, single submitter. Criteria: Invitae Variant Classification Sherloc (09022015). Collection method: clinical testing. Allele origin: germline.
Comment: In summary, the available evidence is currently insufficient to determine the role of this variant in disease. Therefore, it has been classified as a Variant of Uncertain Significance. Algorithms developed to predict the effect of missense changes on protein structure and function are either unavailable or do not agree on the potential impact of this missense change (SIFT: "Tolerated"; PolyPhen-2: "Probably Damaging"; Align-GVGD: "Class C0"). This variant has not been reported in the literature in individuals with GYS1-related conditions. This variant is not present in population databases (ExAC no frequency). This sequence change replaces alanine with threonine at codon 393 of the GYS1 protein (p.Ala393Thr). The alanine residue is moderately conserved and there is a small physicochemical difference between alanine and threonine.